The following is an entry in ClinVar:

ClinVar aggregate classification (germline): Likely benign (0 of 4 stars; one submission).

Conditions:
CD164-related disorder. Also called: CD164-related condition.

Allele frequency attached by ClinVar (database versions not stated): TOPMed 0.00012; ExAC 0.00023; 1000 Genomes Project 30x 0.00250; 1000 Genomes Project 0.00300.
gnomAD v4.1: 1,580 of 1,543,258 alleles (0.1%); highest among the groups gnomAD compares: East Asian, 3.9%; 57 homozygotes.

Submission:

PreventionGenetics, part of Exact Sciences
Classification: Likely benign for CD164-related condition. Last evaluated: 2020-01-14. Review status: no assertion criteria provided. Collection method: clinical testing. Allele origin: germline.
Comment: This variant is classified as likely benign based on ACMG/AMP sequence variant interpretation guidelines (Richards et al. 2015 PMID: 25741868, with internal and published modifications).

NM_006016.6(CD164):c.*533A>T

Gene: CD164 (CD164 molecule; minus strand). Cytogenetic location: 6q21.
Variant type: single nucleotide variant.
Coding change: c.*533A>T on transcript NM_006016.6 (MANE Select); 533 bases downstream of the stop codon, A replaced by T.
Molecular consequence: 3 prime UTR variant. On other transcripts: missense variant (2).
Genome position (GRCh38, 1-based): chr6:109,368,318, T>A on the plus strand (A>T on the coding strand, the complement: CD164 is on the minus strand). VCF-style: chr6-109368318-T-A. GRCh37 (hg19) VCF-style: chr6-109689521-T-A.
Other names: c.*533A>T (NM_001142401.3, NM_001142402.3, NM_001346500.2); c.531A>T, p.Arg177Ser (NM_001142403.3); c.435A>T, p.Arg145Ser (NM_001142404.3); short protein forms R145S, R177S.
Identifiers: ClinVar variation 3051098 (VCV003051098.2), dbSNP rs147143577, ClinGen allele CA3951474.